The following is an entry in ClinVar:

NM_015599.3(PGM3):c.-2-3T>C

Gene: PGM3 (phosphoglucomutase 3; minus strand). Cytogenetic location: 6q14.1.
Variant type: single nucleotide variant.
Coding change: c.-2-3T>C on transcript NM_015599.3 (MANE Select); 3 bases into the intron before 2 bases upstream of the start codon, T replaced by C.
Molecular consequence: intron variant.
Genome position (GRCh38, 1-based): chr6:83,191,017, A>G on the plus strand (T>C on the coding strand, the complement: PGM3 is on the minus strand). VCF-style: chr6-83191017-A-G. GRCh37 (hg19) VCF-style: chr6-83900736-A-G.
Other names: c.83-3T>C (NM_001199917.2, NM_001367287.1); c.-40+2162T>C (NM_001199918.2); c.-2-3T>C (NM_001367286.1, NM_001199919.2).
Identifiers: ClinVar variation 847200 (VCV000847200.7), dbSNP rs1789000800, ClinGen allele CA650845405.

ClinVar aggregate classification (germline): Uncertain significance (1 of 4 stars; one submission).

Conditions:
Immunodeficiency 23 (IMD23). Also called: IMMUNODEFICIENCY WITH HYPER IgE AND COGNITIVE IMPAIRMENT; IMMUNODEFICIENCY-VASCULITIS-MYOCLONUS SYNDROME. Identifiers: Orphanet 443811, MedGen C4014371, MONDO:0014353, OMIM 615816.

Allele frequency attached by ClinVar (database versions not stated): gnomAD exomes 0.00001.
gnomAD v4.1: 11 of 1,611,726 alleles (0.00068%); highest among the groups gnomAD compares: Non-Finnish European, 0.00093%; no homozygotes.

Submission:

Labcorp Genetics (formerly Invitae), Labcorp
Classification: Uncertain significance for Immunodeficiency 23. Last evaluated: 2021-08-31. Review status: criteria provided, single submitter. Criteria: Invitae Variant Classification Sherloc (09022015). Collection method: clinical testing. Allele origin: germline.
Comment: This sequence change falls in intron 2 of the PGM3 gene. It does not directly change the encoded amino acid sequence of the PGM3 protein. It affects a nucleotide within the consensus splice site of the intron. This variant is not present in population databases (ExAC no frequency). This variant has not been reported in the literature in individuals affected with PGM3-related conditions. Variants that disrupt the consensus splice site are a relatively common cause of aberrant splicing (PMID: 17576681, 9536098). Algorithms developed to predict the effect of sequence changes on RNA splicing suggest that this variant is not likely to affect RNA splicing. In summary, the available evidence is currently insufficient to determine the role of this variant in disease. Therefore, it has been classified as a Variant of Uncertain Significance.

Literature cited by the submitters: PubMed 17576681; PubMed 9536098.